The following is an entry in ClinVar:

NM_018076.5(ODAD2):c.541C>T (p.His181Tyr)

Gene: ODAD2 (outer dynein arm docking complex subunit 2; minus strand). Cytogenetic location: 10p12.1.
Variant type: single nucleotide variant.
Coding change: c.541C>T on transcript NM_018076.5 (MANE Select); coding-DNA position 541, C replaced by T.
Protein change: p.His181Tyr; replaces histidine 181 with tyrosine.
Molecular consequence: missense variant.
Genome position (GRCh38, 1-based): chr10:27,985,053, G>A on the plus strand (C>T on the coding strand, the complement: ODAD2 is on the minus strand). VCF-style: chr10-27985053-G-A. GRCh37 (hg19) VCF-style: chr10-28273982-G-A.
Other names: c.541C>T, p.His181Tyr (NM_001290020.2); short protein forms H181Y.
Identifiers: ClinVar variation 4825974 (VCV004825974.1).

ClinVar aggregate classification (germline): Uncertain significance (1 of 4 stars; one submission).

Conditions:
Primary ciliary dyskinesia. Also called: Ciliary dyskinesia. Identifiers: Orphanet 244, MedGen C0008780, MONDO:0016575, HP:0012265.

gnomAD v4.1: 71 of 1,608,952 alleles (0.0044%); highest among the groups gnomAD compares: South Asian, 0.073%; 1 homozygote.

Submission:

Ambry Genetics
Classification: Uncertain significance for Primary ciliary dyskinesia. Last evaluated: 2026-03-01. Review status: criteria provided, single submitter. Criteria: Ambry Variant Classification Scheme 2023. Collection method: clinical testing. Allele origin: germline.
Comment: The p.H181Y variant (also known as c.541C>T), located in coding exon 3 of the ARMC4 gene, results from a C to T substitution at nucleotide position 541. The histidine at codon 181 is replaced by tyrosine, an amino acid with similar properties. This amino acid position is conserved. In addition, this alteration is predicted to be tolerated by in silico analysis. Based on the available evidence, the clinical significance of this variant remains unclear.